The following is an entry in ClinVar:

ClinVar aggregate classification (germline): Uncertain significance (1 of 4 stars; one submission).

Conditions:
Inborn genetic diseases. Identifiers: MedGen C0950123, MeSH D030342.

Submission:

Ambry Genetics
Classification: Uncertain significance for Inborn genetic diseases. Last evaluated: 2024-03-22. Review status: criteria provided, single submitter. Criteria: Ambry Variant Classification Scheme 2023. Collection method: clinical testing. Allele origin: germline.
Comment: The p.F2038C variant (also known as c.6113T>G), located in coding exon 42 of the LRRK2 gene, results from a T to G substitution at nucleotide position 6113. The phenylalanine at codon 2038 is replaced by cysteine, an amino acid with highly dissimilar properties. This amino acid position is conserved. In addition, this alteration is predicted to be deleterious by in silico analysis. Based on the available evidence, the clinical significance of this alteration remains unclear.

NM_198578.4(LRRK2):c.6113T>G (p.Phe2038Cys)

Gene: LRRK2 (leucine rich repeat kinase 2; plus strand). Cytogenetic location: 12q12.
Variant type: single nucleotide variant.
Coding change: c.6113T>G on transcript NM_198578.4 (MANE Select); coding-DNA position 6113, T replaced by G.
Protein change: p.Phe2038Cys; replaces phenylalanine 2038 with cysteine.
Molecular consequence: missense variant.
Genome position (GRCh38, 1-based): chr12:40,346,756, T>G. VCF-style: chr12-40346756-T-G. GRCh37 (hg19) VCF-style: chr12-40740558-T-G.
Other names: short protein forms F2038C.
Identifiers: ClinVar variation 3291864 (VCV003291864.1).